The following is an entry in ClinVar:

NM_022455.5(NSD1):c.3869A>C (p.Gln1290Pro)

Gene: NSD1 (nuclear receptor binding SET domain protein 1; plus strand). Cytogenetic location: 5q35.3.
Variant type: single nucleotide variant.
Coding change: c.3869A>C on transcript NM_022455.5 (MANE Select); coding-DNA position 3869, A replaced by C.
Protein change: p.Gln1290Pro; replaces glutamine 1290 with proline.
Molecular consequence: missense variant.
Genome position (GRCh38, 1-based): chr5:177,235,893, A>C. VCF-style: chr5-177235893-A-C. GRCh37 (hg19) VCF-style: chr5-176662894-A-C.
Other names: c.2996A>C, p.Gln999Pro (NM_001365684.2, NM_001409306.1, NM_001409307.1 and 3 more transcripts); c.3869A>C, p.Gln1290Pro (NM_001409301.1, NM_001409302.1, NM_001409303.1); c.3449A>C, p.Gln1150Pro (NM_001409304.1); c.3116A>C, p.Gln1039Pro (NM_001409305.1); short protein forms Q1290P, Q1021P, Q1150P, Q1039P, Q999P.
Identifiers: ClinVar variation 575351 (VCV000575351.9), dbSNP rs1562242250, ClinGen allele CA362338218.

ClinVar aggregate classification (germline): Uncertain significance. Review status: criteria provided, single submitter (1 of 4 stars). 2 submissions from 1 submitter: Uncertain significance (1). 1 of the submissions does not count toward it. Last evaluated 2018-01-03.

Conditions:
Sotos syndrome (SOTOS). Also called: Distinctive facial appearance, overgrowth in childhood, and learning disabilities or delayed development; CEREBRAL GIGANTISM; Sotos' syndrome; CHROMOSOME 5q35 DELETION SYNDROME; SOTOS SYNDROME 1. Identifiers: Orphanet 821, MedGen C0175695, MONDO:0019349, OMIM 117550.

Submissions (2):

Labcorp Genetics (formerly Invitae), Labcorp
Classification: Uncertain significance. Last evaluated: 2018-01-03. Review status: criteria provided, single submitter. Criteria: Invitae Variant Classification Sherloc (09022015). Collection method: clinical testing. Allele origin: germline.
Comment: This sequence change replaces glutamine with proline at codon 1290 of the NSD1 protein (p.Gln1290Pro). The glutamine residue is moderately conserved and there is a moderate physicochemical difference between glutamine and proline. In summary, the available evidence is currently insufficient to determine the role of this variant in disease. Therefore, it has been classified as a Variant of Uncertain Significance. Algorithms developed to predict the effect of missense changes on protein structure and function do not agree on the potential impact of this missense change (SIFT: "Deleterious"; PolyPhen-2: "Probably Damaging"; Align-GVGD: "Class C0"). This variant has not been reported in the literature in individuals with NSD1-related disease. This variant is not present in population databases (ExAC no frequency).

Labcorp Genetics (formerly Invitae), Labcorp
Classification: Uncertain significance. Last evaluated: 2021-08-20. Review status: flagged submission. Criteria: Invitae Variant Classification Sherloc (09022015). Collection method: clinical testing. Allele origin: germline. Not counted in ClinVar's aggregate classification.
Comment: This sequence change replaces glutamine with proline at codon 1290 of the NSD1 protein (p.Gln1290Pro). The glutamine residue is moderately conserved and there is a moderate physicochemical difference between glutamine and proline. This variant is not present in population databases (ExAC no frequency). This variant has not been reported in the literature in individuals affected with NSD1-related conditions. Algorithms developed to predict the effect of missense changes on protein structure and function are either unavailable or do not agree on the potential impact of this missense change (SIFT: "Deleterious"; PolyPhen-2: "Probably Damaging"; Align-GVGD: "Class C0"). In summary, the available evidence is currently insufficient to determine the role of this variant in disease. Therefore, it has been classified as a Variant of Uncertain Significance.
ClinVar note: Reason: This record appears to be redundant with a more recent record from the same submitter.
ClinVar note: Notes: SCV001541839 appears to be redundant with SCV000826160.